The following is an entry in ClinVar:

NM_001939.3(DRP2):c.1039C>T (p.Gln347Ter)

Gene: DRP2 (dystrophin related protein 2; plus strand). Cytogenetic location: Xq22.1.
Variant type: single nucleotide variant.
Coding change: c.1039C>T on transcript NM_001939.3 (MANE Select); coding-DNA position 1039, C replaced by T.
Protein change: p.Gln347Ter; replaces glutamine 347 with a stop codon.
Molecular consequence: nonsense.
Genome position (GRCh38, 1-based): chrX:101,242,967, C>T. VCF-style: chrX-101242967-C-T. GRCh37 (hg19) VCF-style: chrX-100497956-C-T.
Other names: c.805C>T, p.Gln269Ter (NM_001171184.2); short protein forms Q269*, Q347*.
Identifiers: ClinVar variation 372142 (VCV000372142.2), dbSNP rs1057519071, ClinGen allele CA16042212.
Genomic context (GRCh38, chrX:101,242,967, plus strand): 5'-TCAGTTAGTGAGAGGCTTAAGCAGCTCCAGGATGCCCACCGGGACTTTGGGCCTGGGTCA[C>T]AGCACTTTCTCTCCTGTACGTGAACCAAACTGGACTCCACTTAGCAGAACCTCAGCCATC-3'

ClinVar aggregate classification (germline): Uncertain significance. Review status: criteria provided, single submitter (1 of 4 stars). 2 submissions from 2 submitters: Uncertain significance (1). 1 of the submissions does not count toward it. Last evaluated 2025-05-05.

Conditions:
Charcot-Marie-Tooth disease X-linked dominant 1. Also called: Charcot-Marie-Tooth Neuropathy X Type 1; X-linked Charcot-Marie-Tooth disease type 1; GJB1 Disorders: Charcot-Marie-Tooth Neuropathy (CMT1X) and Central Nervous System Phenotypes; CHARCOT-MARIE-TOOTH NEUROPATHY, X-LINKED, 1; CHARCOT-MARIE-TOOTH PERONEAL MUSCULAR ATROPHY, X-LINKED; HEREDITARY MOTOR AND SENSORY NEUROPATHY, X-LINKED. Identifiers: Orphanet 101075, MedGen C0393808, MONDO:0010549, OMIM 302800.

Allele frequency attached by ClinVar (database versions not stated): gnomAD exomes below 0.00001 and 0.00001; TOPMed 0.00001.
gnomAD v4.1: 5 of 1,210,913 alleles (0.00041%); highest among the groups gnomAD compares: Non-Finnish European, 0.00045%; no homozygotes.

Submissions (2):

Concord Molecular Medicine Laboratory, Concord Repatriation General Hospital
Classification: Uncertain significance for Charcot-Marie-Tooth disease X-linked dominant 1. Last evaluated: 2025-05-05. Review status: criteria provided, single submitter. Criteria: ACMG Guidelines, 2015. Collection method: clinical testing. Allele origin: unknown. Inheritance: X-linked dominant inheritance. Affected: yes. Observed: 1 hemizygote.
Comment: This nucleotide change leads to a premature termination codon in exon 9 out of a total of 24 exons. The transcript is predicted to undergo nonsense mediated decay. This variant is found at a very low frequency in control population database (0.0004%, gnomAD v4.1.0). The same variant was described in two hemizygous case reports in patients with Charcot-Marie-Tooth disease. Other loss of function variants in DRP2 causing Charcot-Marie-Tooth disease have been described. While the variant level evidence suggests this variant to be likely pathogenic, the gene disease association remains to be established and therefore this variant is currently classified as a variant of uncertain significance.

OMIM
Classification: Uncertain significance for VARIANT OF UNKNOWN SIGNIFICANCE. Last evaluated: 2015-11-17. Review status: no assertion criteria provided. Collection method: literature only. Allele origin: germline. Not counted in ClinVar's aggregate classification.

Literature cited by the submitters: PubMed 26227883 (cited by Concord Molecular Medicine Laboratory, Concord Repatriation General Hospital and OMIM); PubMed 29473052 (cited by Concord Molecular Medicine Laboratory, Concord Repatriation General Hospital); PubMed 38513194 (cited by Concord Molecular Medicine Laboratory, Concord Repatriation General Hospital); PubMed 31217940 (cited by Concord Molecular Medicine Laboratory, Concord Repatriation General Hospital).